The following is an entry in ClinVar:

ClinVar aggregate classification (germline): Uncertain significance (1 of 4 stars; one submission).

Conditions:
Ellis-van Creveld syndrome (EVC). Also called: EVC-Related Ellis-van Creveld Syndrome; EVC2-Related Ellis-van Creveld Syndrome; Chondroectodermal dysplasia; MESOECTODERMAL DYSPLASIA. Identifiers: Orphanet 289, MedGen C0013903, MONDO:0009162, OMIM 225500.
Curry-Hall syndrome (WAD). Also called: WEYERS ACRODENTAL DYSOSTOSIS. Identifiers: Orphanet 952, MedGen C0457013, MONDO:0008673, OMIM 193530.

Allele frequency attached by ClinVar (database versions not stated): gnomAD 0.00001; ExAC 0.00002; TOPMed 0.00002; ESP Exome Variant Server 0.00008.
gnomAD v4.1: 6 of 1,614,028 alleles (0.00037%); highest among the groups gnomAD compares: Non-Finnish European, 0.00051%; no homozygotes.

Submission:

Labcorp Genetics (formerly Invitae), Labcorp
Classification: Uncertain significance for Curry-Hall syndrome; Ellis-van Creveld syndrome. Last evaluated: 2025-03-03. Review status: criteria provided, single submitter. Criteria: Invitae Variant Classification Sherloc (09022015). Collection method: clinical testing. Allele origin: germline.
Comment: This sequence change replaces arginine, which is basic and polar, with glutamine, which is neutral and polar, at codon 945 of the EVC2 protein (p.Arg945Gln). This variant is present in population databases (rs369739673, gnomAD 0.007%). This variant has not been reported in the literature in individuals affected with EVC2-related conditions. ClinVar contains an entry for this variant (Variation ID: 2162351). An algorithm developed to predict the effect of missense changes on protein structure and function outputs the following: PolyPhen-2: "Benign". The glutamine amino acid residue is found in multiple mammalian species, which suggests that this missense change does not adversely affect protein function. In summary, the available evidence is currently insufficient to determine the role of this variant in disease. Therefore, it has been classified as a Variant of Uncertain Significance.

NM_147127.5(EVC2):c.2834G>A (p.Arg945Gln)

Gene: EVC2 (EvC ciliary complex subunit 2; minus strand). Cytogenetic location: 4p16.2.
Variant type: single nucleotide variant.
Coding change: c.2834G>A on transcript NM_147127.5 (MANE Select); coding-DNA position 2834, G replaced by A.
Protein change: p.Arg945Gln; replaces arginine 945 with glutamine.
Molecular consequence: missense variant.
Genome position (GRCh38, 1-based): chr4:5,584,846, C>T on the plus strand (G>A on the coding strand, the complement: EVC2 is on the minus strand). VCF-style: chr4-5584846-C-T. GRCh37 (hg19) VCF-style: chr4-5586573-C-T.
Other names: c.2594G>A, p.Arg865Gln (NM_001166136.2); short protein forms R865Q, R945Q.
Identifiers: ClinVar variation 2162351 (VCV002162351.3), dbSNP rs369739673, ClinGen allele CA2834546.